The following is an entry in ClinVar:

NM_001122955.4(BSCL2):c.1153+1G>T

Genes: BSCL2 (BSCL2 lipid droplet biogenesis associated, seipin; minus strand), HNRNPUL2-BSCL2 (HNRNPUL2-BSCL2 readthrough (NMD candidate); minus strand). Cytogenetic location: 11q12.3.
Variant type: single nucleotide variant.
Coding change: c.1153+1G>T on transcript NM_001122955.4 (MANE Select); the canonical splice donor site of the intron after coding-DNA position 1153, G replaced by T.
Molecular consequence: splice donor variant.
Genome position (GRCh38, 1-based): chr11:62,690,786, C>A on the plus strand (G>T on the coding strand, the complement: BSCL2 is on the minus strand). VCF-style: chr11-62690786-C-A. GRCh37 (hg19) VCF-style: chr11-62458258-C-A.
Other names: c.819+1G>T (NM_001130702.2); c.961+1G>T (NM_032667.6); c.1153+1G>T (NM_001386028.1); c.1159+1G>T (NM_001386027.1).
Identifiers: ClinVar variation 3377187 (VCV003377187.1).
Genomic context (GRCh38, chr11:62,690,786, plus strand): 5'-CAGACACTGAAGGAGAAAGCCAAGGAGTCAGGAAGGAGAGAGTGTGGTGGCTGCGCCATA[C>A]CTGTCCCTGAGGGATCTTCAGGGCTCTCACCATCCTCTGTAACATCTGATTGCGGAGTTG-3'

ClinVar aggregate classification (germline): Uncertain significance (1 of 4 stars; one submission).

Conditions:
Congenital generalized lipodystrophy type 2 (CGL2). Also called: BERARDINELLI SYNDROME; BRUNZELL SYNDROME, BSCL2-RELATED; SEIP SYNDROME; Berardinelli-Seip Congenital Lipodystrophy Type 2. Identifiers: Orphanet 528, Orphanet 696289, MedGen C1720863, MONDO:0010020, OMIM 269700.

Submission:

Victorian Clinical Genetics Services, Murdoch Childrens Research Institute
Classification: Uncertain significance for Congenital generalized lipodystrophy type 2. Last evaluated: 2024-10-10. Review status: criteria provided, single submitter. Criteria: ACMG Guidelines, 2015. Collection method: clinical testing. Allele origin: germline. Inheritance: Autosomal recessive inheritance. Affected: no.
Comment: Based on the classification scheme VCGS_Germline_v1.3.5, this variant is classified as VUS-3A. Following criteria are met: 0103 - Loss of function and gain of function are known mechanisms of disease in this gene. Loss of function has been associated encephalopathy, progressive, with or without lipodystrophy (MIM#615924) and lipodystrophy, congenital generalized, type 2 (MIM#269700). A gain of function mechanism has been associated with neuropathy, distal hereditary motor, type VC (MIM#619112) and Silver spastic paraplegia syndrome (MIM#270685; PMID: 14981520). (I) 0108 - This gene is associated with both recessive and dominant disease. (I) 0211 - Canonical splice site variant without proven consequence on splicing (no functional evidence available). (SP) 0251 - This variant is heterozygous. (I) 0301 - Variant is absent from gnomAD (v2, v3 and v4). (SP) 0505 - Abnormal splicing is predicted by in silico tools and affected nucleotide is highly conserved. (SP) 0705 - No comparable splice site variants have previous evidence for pathogenicity. (I) 0807 - This variant has no previous evidence of pathogenicity. (I) 0905 - No published segregation evidence has been identified for this variant. (I) 1007 - No published functional evidence has been identified for this variant. (I) 1208 - Inheritance information for this variant is not currently available in this individual. (I) Legend: (SP) - Supporting pathogenic, (I) - Information, (SB) - Supporting benign

Literature cited by the submitters: PubMed 14981520.